The following is an entry in ClinVar:

ClinVar aggregate classification (germline): Likely benign. Review status: criteria provided, single submitter (1 of 4 stars). 2 submissions from 2 submitters: Likely benign (1). 1 of the submissions does not count toward it. Last evaluated 2026-03-01.

Conditions:
CFAP251-related disorder. Also called: CFAP251-related condition.

Allele frequency attached by ClinVar (database versions not stated): gnomAD exomes 0.00010; ExAC 0.00030; 1000 Genomes Project 0.00040; 1000 Genomes Project 30x 0.00062; gnomAD 0.00095; TOPMed 0.00104; ESP Exome Variant Server 0.00115.
gnomAD v4.1: 297 of 1,609,870 alleles (0.018%); highest among the groups gnomAD compares: African/African-American, 0.29%; no homozygotes.

Submissions (2):

CeGaT Center for Human Genetics Tuebingen
Classification: Likely benign. Last evaluated: 2026-03-01. Review status: criteria provided, single submitter. Criteria: CeGaT Center For Human Genetics Tuebingen Variant Classification Criteria Version 2. Collection method: clinical testing. Allele origin: germline. Affected: yes. Observed: 1 variant allele.
Comment: CFAP251: BP4, BP7

PreventionGenetics, part of Exact Sciences
Classification: Likely benign for CFAP251-related condition. Last evaluated: 2019-06-21. Review status: no assertion criteria provided. Collection method: clinical testing. Allele origin: germline. Not counted in ClinVar's aggregate classification.
Comment: This variant is classified as likely benign based on ACMG/AMP sequence variant interpretation guidelines (Richards et al. 2015 PMID: 25741868, with internal and published modifications).

NM_144668.6(CFAP251):c.2634C>T (p.Asp878=)

Gene: CFAP251 (cilia and flagella associated protein 251; plus strand). Cytogenetic location: 12q24.31.
Variant type: single nucleotide variant.
Coding change: c.2634C>T on transcript NM_144668.6 (MANE Select); coding-DNA position 2634, C replaced by T.
Protein change: p.Asp878=; no amino-acid change (aspartic acid 878 retained).
Molecular consequence: synonymous variant.
Genome position (GRCh38, 1-based): chr12:121,968,032, C>T. VCF-style: chr12-121968032-C-T. GRCh37 (hg19) VCF-style: chr12-122405938-C-T.
Other names: c.2634C>T, p.Asp878= (NM_001178003.2).
Identifiers: ClinVar variation 3042785 (VCV003042785.6), dbSNP rs372855133, ClinGen allele CA6840938.